The following is an entry in ClinVar:

NM_001131016.2(CIZ1):c.1167G>C (p.Arg389Ser)

Gene: CIZ1 (CDKN1A interacting zinc finger protein 1; minus strand). Cytogenetic location: 9q34.11.
Variant type: single nucleotide variant.
Coding change: c.1167G>C on transcript NM_001131016.2 (MANE Select); coding-DNA position 1167, G replaced by C.
Protein change: p.Arg389Ser; replaces arginine 389 with serine.
Molecular consequence: missense variant. On other transcripts: intron variant (3).
Genome position (GRCh38, 1-based): chr9:128,179,040, C>G on the plus strand (G>C on the coding strand, the complement: CIZ1 is on the minus strand). VCF-style: chr9-128179040-C-G. GRCh37 (hg19) VCF-style: chr9-130941319-C-G.
Other names: c.1257G>C, p.Arg419Ser (NM_001257975.2); c.864G>C, p.Arg288Ser (NM_001257976.2); c.1167G>C, p.Arg389Ser (NM_012127.3); c.1134+33G>C (NM_001131015.2); c.1062+33G>C (NM_001131018.2); c.1119+33G>C (NM_001131017.2); short protein forms R389S, R288S, R419S.
Identifiers: ClinVar variation 1362525 (VCV001362525.8), dbSNP rs755852736, ClinGen allele CA375027723.
Genomic context (GRCh38, chr9:128,179,040, plus strand): 5'-GGGCTGCACCTGTGGCTGCACCTGCTTCAGCGGCTCTGCCTCCTGCTGCAGCTGCACCTG[C>G]CTTGGGCCCTGTGAATGTGCCTGTGGCTGTACCTGTGGCTGCACCTGCTTCTGTGGCTCT-3'
Protein context (NP_001124488.1, residues 379-399): VQPQAHSQGP[Arg389Ser]QVQLQQEAEP

ClinVar aggregate classification (germline): Uncertain significance (1 of 4 stars; one submission).

Conditions:
Dystonic disorder. Also called: Dystonia. Identifiers: MedGen C0013421, MONDO:0003441, HP:0001332.

gnomAD v4.1: 22 of 1,612,892 alleles (0.0014%); highest among the groups gnomAD compares: Non-Finnish European, 0.0018%; no homozygotes.

Submission:

Labcorp Genetics (formerly Invitae), Labcorp
Classification: Uncertain significance for Dystonic disorder. Last evaluated: 2021-07-20. Review status: criteria provided, single submitter. Criteria: Invitae Variant Classification Sherloc (09022015). Collection method: clinical testing. Allele origin: germline.
Comment: In summary, the available evidence is currently insufficient to determine the role of this variant in disease. Therefore, it has been classified as a Variant of Uncertain Significance. Algorithms developed to predict the effect of missense changes on protein structure and function (SIFT, PolyPhen-2, Align-GVGD) all suggest that this variant is likely to be tolerated. This variant has not been reported in the literature in individuals affected with CIZ1-related conditions. This variant is not present in population databases (ExAC no frequency). This sequence change replaces arginine with serine at codon 389 of the CIZ1 protein (p.Arg389Ser). The arginine residue is weakly conserved and there is a moderate physicochemical difference between arginine and serine.